The following is an entry in ClinVar:

ClinVar aggregate classification (germline): Benign (1 of 4 stars; one submission).

gnomAD v4.1: 3,129 of 1,614,154 alleles (0.19%); highest among the groups gnomAD compares: African/African-American, 3.5%; 48 homozygotes.

Submission:

Mayo Clinic Laboratories, Mayo Clinic
Classification: Benign. Last evaluated: 2023-10-18. Review status: criteria provided, single submitter. Criteria: ACMG Guidelines, 2015. Collection method: clinical testing. Allele origin: germline. Observed: 7 variant alleles.
Comment: BS1, BS2, BP4, BP7

NM_005845.5(ABCC4):c.3774G>A (p.Pro1258=)

Gene: ABCC4 (ATP binding cassette subfamily C member 4 (PEL blood group); minus strand). Cytogenetic location: 13q32.1.
Variant type: single nucleotide variant.
Coding change: c.3774G>A on transcript NM_005845.5 (MANE Select); coding-DNA position 3774, G replaced by A.
Protein change: p.Pro1258=; no amino-acid change (proline 1258 retained).
Molecular consequence: synonymous variant.
Genome position (GRCh38, 1-based): chr13:95,034,701, C>T on the plus strand (G>A on the coding strand, the complement: ABCC4 is on the minus strand). VCF-style: chr13-95034701-C-T. GRCh37 (hg19) VCF-style: chr13-95686955-C-T.
Other names: p.Pro1258=; c.3633G>A, p.Pro1211= (NM_001301829.2).
Identifiers: ClinVar variation 4683804 (VCV004683804.1).